The following is an entry in ClinVar:

ClinVar aggregate classification (germline): Uncertain significance. Review status: criteria provided, multiple submitters, no conflicts (2 of 4 stars). 2 submissions from 2 submitters: Uncertain significance (2). Last evaluated 2026-02-01.

Allele frequency attached by ClinVar (database versions not stated): TOPMed 0.00006; gnomAD 0.00005.
gnomAD v4.1: 227 of 1,611,310 alleles (0.014%); highest among the groups gnomAD compares: Non-Finnish European, 0.018%; no homozygotes.

Submissions (2):

Labcorp Genetics (formerly Invitae), Labcorp
Classification: Uncertain significance. Last evaluated: 2026-02-01. Review status: criteria provided, single submitter. Criteria: Invitae Variant Classification Sherloc (09022015). Collection method: clinical testing. Allele origin: germline.
Comment: This sequence change replaces serine, which is neutral and polar, with arginine, which is basic and polar, at codon 618 of the SUCO protein (p.Ser618Arg). This variant is present in population databases (rs766394343, gnomAD 0.01%). This variant has not been reported in the literature in individuals affected with SUCO-related conditions. ClinVar contains an entry for this variant (Variation ID: 2732921). An algorithm developed to predict the effect of missense changes on protein structure and function (PolyPhen-2) suggests that this variant is likely to be disruptive. In summary, the available evidence is currently insufficient to determine the role of this variant in disease. Therefore, it has been classified as a Variant of Uncertain Significance.

Ambry Genetics
Classification: Uncertain significance. Last evaluated: 2025-08-31. Review status: criteria provided, single submitter. Criteria: Ambry Variant Classification Scheme 2023. Collection method: clinical testing. Allele origin: germline.

NM_014283.5(SUCO):c.1852A>C (p.Ser618Arg)

Gene: SUCO (SUN domain containing ossification factor; plus strand). Cytogenetic location: 1q24.3.
Variant type: single nucleotide variant.
Coding change: c.1852A>C on transcript NM_014283.5 (MANE Select); coding-DNA position 1852, A replaced by C.
Protein change: p.Ser618Arg; replaces serine 618 with arginine.
Molecular consequence: missense variant. On other transcripts: intron variant (1).
Genome position (GRCh38, 1-based): chr1:172,588,953, A>C. VCF-style: chr1-172588953-A-C. GRCh37 (hg19) VCF-style: chr1-172558093-A-C.
Other names: c.1852A>C (NM_014283.3); c.163A>C, p.Ser55Arg (NM_001282751.2); c.2305A>C, p.Ser769Arg (NM_016227.4); c.1712+29A>C (NM_001282750.2); short protein forms S55R, S618R, S769R.
Identifiers: ClinVar variation 2732921 (VCV002732921.4), dbSNP rs766394343, ClinGen allele CA1246976.
Genomic context (GRCh38, chr1:172,588,953, plus strand): 5'-AGCGGTGAACAGGAAGATGAATCATCACCCTGGTTTGAGTCAGAGACACAAATATTTTGC[A>C]GTGAACTGACCACAATTTGTTGTATTTCTAGTTTTTCAGAATACATATATAAATGGTGTT-3'
Protein context (NP_055098.1, residues 608-628): WFESETQIFC[Ser618Arg]ELTTICCISS